The following is an entry in ClinVar:

NM_058179.4(PSAT1):c.155T>C (p.Ile52Thr)

Gene: PSAT1 (phosphoserine aminotransferase 1; plus strand). Cytogenetic location: 9q21.2.
Variant type: single nucleotide variant.
Coding change: c.155T>C on transcript NM_058179.4 (MANE Select); coding-DNA position 155, T replaced by C.
Protein change: p.Ile52Thr; replaces isoleucine 52 with threonine.
Molecular consequence: missense variant.
Genome position (GRCh38, 1-based): chr9:78,301,987, T>C. VCF-style: chr9-78301987-T-C. GRCh37 (hg19) VCF-style: chr9-80916903-T-C.
Other names: c.155T>C, p.Ile52Thr (NM_021154.5); short protein forms I52T.
Identifiers: ClinVar variation 1345069 (VCV001345069.7), dbSNP rs2118628071, ClinGen allele CA373871888.

ClinVar aggregate classification (germline): Uncertain significance (1 of 4 stars; one submission).

Conditions:
Neu-Laxova syndrome 2. Identifiers: Orphanet 2671, Orphanet 583602, MedGen C4015019, MONDO:0014466, OMIM 616038.

Submission:

Labcorp Genetics (formerly Invitae), Labcorp
Classification: Uncertain significance for Neu-Laxova syndrome 2. Last evaluated: 2022-02-03. Review status: criteria provided, single submitter. Criteria: Invitae Variant Classification Sherloc (09022015). Collection method: clinical testing. Allele origin: germline.
Comment: This sequence change replaces isoleucine, which is neutral and non-polar, with threonine, which is neutral and polar, at codon 52 of the PSAT1 protein (p.Ile52Thr). This variant is not present in population databases (gnomAD no frequency). This variant has not been reported in the literature in individuals affected with PSAT1-related conditions. Algorithms developed to predict the effect of missense changes on protein structure and function are either unavailable or do not agree on the potential impact of this missense change (SIFT: "Deleterious"; PolyPhen-2: "Probably Damaging"; Align-GVGD: "Class C0"). In summary, the available evidence is currently insufficient to determine the role of this variant in disease. Therefore, it has been classified as a Variant of Uncertain Significance.